The following is an entry in ClinVar:

NM_014003.4(DHX38):c.2370C>G (p.Ile790Met)

Gene: DHX38 (DEAH-box helicase 38; plus strand). Cytogenetic location: 16q22.2.
Variant type: single nucleotide variant.
Coding change: c.2370C>G on transcript NM_014003.4 (MANE Select); coding-DNA position 2370, C replaced by G.
Protein change: p.Ile790Met; replaces isoleucine 790 with methionine.
Molecular consequence: missense variant.
Genome position (GRCh38, 1-based): chr16:72,105,339, C>G. VCF-style: chr16-72105339-C-G. GRCh37 (hg19) VCF-style: chr16-72139238-C-G.
Other names: c.2370C>G (NM_014003.3); short protein forms I790M.
Identifiers: ClinVar variation 1501369 (VCV001501369.8), dbSNP rs200450334, ClinGen allele CA283685685.
Genomic context (GRCh38, chr16:72,105,339, plus strand): 5'-GCCTGCCCTGGCTGTGCTGCCCATCTACTCTCAGCTGCCTTCTGACCTCCAGGCCAAAAT[C>G]TTCCAGAAGGTGTGTCAGCAGGAATGTCCAGGAGTGGCTCTTGGAGTTCTCTAAAGGAAG-3'
Protein context (NP_054722.2, residues 780-800): SQLPSDLQAK[Ile790Met]FQKAPDGVRK

ClinVar aggregate classification (germline): Uncertain significance. Review status: criteria provided, multiple submitters, no conflicts (2 of 4 stars). 3 submissions from 3 submitters: Uncertain significance (3). Last evaluated 2022-11-22.

Allele frequency attached by ClinVar (database versions not stated): gnomAD 0.00001; gnomAD exomes 0.00001.
gnomAD v4.1: 20 of 1,614,068 alleles (0.0012%); highest among the groups gnomAD compares: Non-Finnish European, 0.0016%; no homozygotes.

Submissions (3):

Labcorp Genetics (formerly Invitae), Labcorp
Classification: Uncertain significance. Last evaluated: 2022-11-22. Review status: criteria provided, single submitter. Criteria: Invitae Variant Classification Sherloc (09022015). Collection method: clinical testing. Allele origin: germline.
Comment: This sequence change replaces isoleucine, which is neutral and non-polar, with methionine, which is neutral and non-polar, at codon 790 of the DHX38 protein (p.Ile790Met). This variant is present in population databases (rs200450334, gnomAD 0.002%). This variant has not been reported in the literature in individuals affected with DHX38-related conditions. ClinVar contains an entry for this variant (Variation ID: 1501369). Advanced modeling of protein sequence and biophysical properties (such as structural, functional, and spatial information, amino acid conservation, physicochemical variation, residue mobility, and thermodynamic stability) performed at Invitae indicates that this missense variant is expected to disrupt DHX38 protein function. In summary, the available evidence is currently insufficient to determine the role of this variant in disease. Therefore, it has been classified as a Variant of Uncertain Significance.

Ambry Genetics
Classification: Uncertain significance. Last evaluated: 2022-01-04. Review status: criteria provided, single submitter. Criteria: Ambry Variant Classification Scheme 2023. Collection method: clinical testing. Allele origin: germline.

Blueprint Genetics
Classification: Uncertain significance. Last evaluated: 2020-02-06. Review status: criteria provided, single submitter. Criteria: ACMG Guidelines, 2015. Collection method: clinical testing. Allele origin: germline.